The following is an entry in ClinVar:

ClinVar aggregate classification (germline): Conflicting classifications of pathogenicity. Review status: criteria provided, conflicting classifications (1 of 4 stars). 2 submissions from 2 submitters: Uncertain significance (1); Likely benign (1). Last evaluated 2024-12-03.

Allele frequency attached by ClinVar (database versions not stated): ExAC 0.00001; gnomAD 0.00001; gnomAD exomes 0.00001; TOPMed 0.00001; 1000 Genomes Project 30x 0.00016; 1000 Genomes Project 0.00020.
gnomAD v4.1: 10 of 1,614,186 alleles (0.00062%); highest among the groups gnomAD compares: Admixed American, 0.017%; no homozygotes.

Submissions (2):

Ambry Genetics
Classification: Likely benign. Last evaluated: 2024-12-03. Review status: criteria provided, single submitter. Criteria: Ambry Variant Classification Scheme 2023. Collection method: clinical testing. Allele origin: germline.

Labcorp Genetics (formerly Invitae), Labcorp
Classification: Uncertain significance. Last evaluated: 2024-02-23. Review status: criteria provided, single submitter. Criteria: Invitae Variant Classification Sherloc (09022015). Collection method: clinical testing. Allele origin: germline.
Comment: This sequence change replaces lysine, which is basic and polar, with arginine, which is basic and polar, at codon 688 of the MCM4 protein (p.Lys688Arg). This variant is present in population databases (rs537116891, gnomAD 0.003%). This variant has not been reported in the literature in individuals affected with MCM4-related conditions. ClinVar contains an entry for this variant (Variation ID: 1987877). Advanced modeling of protein sequence and biophysical properties (such as structural, functional, and spatial information, amino acid conservation, physicochemical variation, residue mobility, and thermodynamic stability) performed at Invitae indicates that this missense variant is not expected to disrupt MCM4 protein function with a negative predictive value of 80%. In summary, the available evidence is currently insufficient to determine the role of this variant in disease. Therefore, it has been classified as a Variant of Uncertain Significance.

NM_182746.3(MCM4):c.2063A>G (p.Lys688Arg)

Gene: MCM4 (minichromosome maintenance complex component 4; plus strand). Cytogenetic location: 8q11.21.
Variant type: single nucleotide variant.
Coding change: c.2063A>G on transcript NM_182746.3 (MANE Select); coding-DNA position 2063, A replaced by G.
Protein change: p.Lys688Arg; replaces lysine 688 with arginine.
Molecular consequence: missense variant.
Genome position (GRCh38, 1-based): chr8:47,972,991, A>G. VCF-style: chr8-47972991-A-G. GRCh37 (hg19) VCF-style: chr8-48885551-A-G.
Other names: c.2063A>G, p.Lys688Arg (NM_005914.4); c.2063A>G (NM_005914.3); short protein forms K688R.
Identifiers: ClinVar variation 1987877 (VCV001987877.4), dbSNP rs537116891, ClinGen allele CA4742786.